The following is an entry in ClinVar:

NM_001009944.3(PKD1):c.11178G>A (p.Trp3726Ter)

Genes: PKD1 (polycystin 1, transient receptor potential channel interacting; minus strand), PKD1-AS1 (PKD1 antisense RNA 1; plus strand). Cytogenetic location: 16p13.3.
Variant type: single nucleotide variant.
Coding change: c.11178G>A on transcript NM_001009944.3 (MANE Select); coding-DNA position 11178, G replaced by A.
Protein change: p.Trp3726Ter; replaces tryptophan 3726 with a stop codon.
Molecular consequence: nonsense.
Genome position (GRCh38, 1-based): chr16:2,092,571, C>T on the plus strand (G>A on the coding strand, the complement: PKD1 is on the minus strand). VCF-style: chr16-2092571-C-T. GRCh37 (hg19) VCF-style: chr16-2142572-C-T.
Other names: c.11175G>A, p.Trp3725Ter (NM_000296.4); short protein forms W3725*, W3726*.
Identifiers: ClinVar variation 997399 (VCV000997399.1), dbSNP rs2091645594, ClinGen allele CA394336445.

ClinVar aggregate classification (germline): Pathogenic (0 of 4 stars; one submission).

Conditions:
Polycystic kidney disease. Also called: Polycystic kidney dysplasia; Kidney, Polycystic. Identifiers: MedGen C0022680, MeSH D007690, MONDO:0020642, HP:0000113.

Submission:

Department of Pathology and Laboratory Medicine, Sinai Health System
Classification: Pathogenic for Polycystic Kidney disease. Review status: no assertion criteria provided. Collection method: clinical testing. Allele origin: unknown. Affected: yes. Study: The Canadian Open Genetics Repository (COGR).
Comment: The PKD1 p.Trp3726* variant was not identified in the literature nor was it identified in the dbSNP, ClinVar, LOVD 3.0, ADPKD Mutation Database, or PKD1-LOVD. The variant was not identified in the following control databases: the Exome Aggregation Consortium (August 8th 2016) or the Genome Aggregation Database (Feb 27, 2017). The p.Trp3726* variant leads to a premature stop codon at position 3726, which is predicted to lead to a truncated or absent protein and loss of function. Loss of function variants of the PKD1 gene are an established mechanism of disease in autosomal dominant polycystic kidney disease and is the type of variant expected to cause the disorder. In summary, based on the above information, this variant meets our laboratoryâ€šÃ„Ã´s criteria to be classified as pathogenic.